The following is an entry in ClinVar:

ClinVar aggregate classification (germline): Pathogenic (1 of 4 stars; one submission).

Conditions:
Hereditary spastic paraplegia 47. Also called: adaptor protein 4 (AP-4) deficiency syndrome; CEREBRAL PALSY, SPASTIC QUADRIPLEGIC, 5; Spastic paraplegia 47, autosomal recessive. Identifiers: Orphanet 280763, MedGen C3279738, MONDO:0013551, OMIM 614066.

Submission:

Labcorp Genetics (formerly Invitae), Labcorp
Classification: Pathogenic for Hereditary spastic paraplegia 47. Last evaluated: 2022-06-05. Review status: criteria provided, single submitter. Criteria: Invitae Variant Classification Sherloc (09022015). Collection method: clinical testing. Allele origin: germline.
Comment: For these reasons, this variant has been classified as Pathogenic. This variant has not been reported in the literature in individuals affected with AP4B1-related conditions. This variant is not present in population databases (gnomAD no frequency). This sequence change creates a premature translational stop signal (p.Ala375Leufs*2) in the AP4B1 gene. It is expected to result in an absent or disrupted protein product. Loss-of-function variants in AP4B1 are known to be pathogenic (PMID: 22290197, 24700674, 24781758).

Literature cited by the submitters: PubMed 22290197; PubMed 24700674; PubMed 24781758.

NM_001253852.3(AP4B1):c.1122_1123insTTGTAGGTGCCAGGACTTCTTTTGTAGGT (p.Ala375delinsLeuTer)

Genes: AP4B1 (adaptor related protein complex 4 subunit beta 1; minus strand), AP4B1-AS1 (AP4B1 antisense RNA 1; plus strand). Cytogenetic location: 1p13.2.
Variant type: Insertion.
Coding change: c.1122_1123insTTGTAGGTGCCAGGACTTCTTTTGTAGGT on transcript NM_001253852.3 (MANE Select); coding-DNA positions 1122 to 1123, TTGTAGGTGCCAGGACTTCTTTTGTAGGT inserted.
Protein change: p.Ala375delinsLeuTer.
Molecular consequence: nonsense.
Genome position: GRCh38 VCF-style: chr1-113898793-C-CACCTACAAAAGAAGTCCTGGCACCTACAA. GRCh37 (hg19) VCF-style: chr1-114441415-C-CACCTACAAAAGAAGTCCTGGCACCTACAA.
Other names: c.825_826insTTGTAGGTGCCAGGACTTCTTTTGTAGGT, p.Ala276delinsLeuTer (NM_001253853.3); c.618_619insTTGTAGGTGCCAGGACTTCTTTTGTAGGT, p.Ala207delinsLeuTer (NM_001308312.2); c.1122_1123insTTGTAGGTGCCAGGACTTCTTTTGTAGGT, p.Ala375delinsLeuTer (NM_006594.5).
Identifiers: ClinVar variation 1993044 (VCV001993044.4), dbSNP rs2526557123, ClinGen allele CA2580060822.
Genomic context (GRCh38, chr1:113,898,793, plus strand): 5'-CTTGTCGAAGACCCAGCAACTCTGTTAAAATCTGAACACATTGATCTGTGTAAGTCCTGG[C>CACCTACAAAAGAAGTCCTGGCACCTACAA]AATGCCACCTACAAAAGAAGGGAAAGCAGAGAAAACTGCTAAGTGAAATATTAGCACCTC-3'